The following is an entry in ClinVar:

NM_000095.3(COMP):c.360C>T (p.Gly120=)

Gene: COMP (cartilage oligomeric matrix protein; minus strand). Cytogenetic location: 19p13.11.
Variant type: single nucleotide variant.
Coding change: c.360C>T on transcript NM_000095.3 (MANE Select); coding-DNA position 360, C replaced by T.
Protein change: p.Gly120=; no amino-acid change (glycine 120 retained).
Molecular consequence: synonymous variant.
Genome position (GRCh38, 1-based): chr19:18,789,972, G>A on the plus strand (C>T on the coding strand, the complement: COMP is on the minus strand). VCF-style: chr19-18789972-G-A. GRCh37 (hg19) VCF-style: chr19-18900781-G-A.
Identifiers: ClinVar variation 723292 (VCV000723292.32), dbSNP rs150820366, ClinGen allele CA9316761.

ClinVar aggregate classification (germline): Benign/Likely benign. Review status: criteria provided, multiple submitters, no conflicts (2 of 4 stars). 8 submissions from 7 submitters: Benign (2); Likely benign (6). Last evaluated 2025-11-22.

Conditions:
COMP-related disorder. Also called: COMP-related condition; COMP-related disorders.
Pseudoachondroplastic spondyloepiphyseal dysplasia syndrome (PSACH). Also called: PSEUDOACHONDROPLASTIC DYSPLASIA; COMP-Related Pseudoachondroplasia; Pseudoachondroplasia. Identifiers: Orphanet 750, MedGen C0410538, MONDO:0008322, OMIM 177170.
Multiple epiphyseal dysplasia type 1. Also called: COMP-Related Multiple Epiphyseal Dysplasia. Identifiers: Orphanet 93308, MedGen C1838280, MONDO:0007561, OMIM 132400.

Allele frequency attached by ClinVar (database versions not stated): 1000 Genomes Project 30x 0.00016; 1000 Genomes Project 0.00020; gnomAD exomes 0.00036; TOPMed 0.00036; ESP Exome Variant Server 0.00039; gnomAD 0.00040 and 0.00044; ExAC 0.00053.
gnomAD v4.1: 1,073 of 1,595,086 alleles (0.067%); highest among the groups gnomAD compares: Non-Finnish European, 0.086%; no homozygotes.

Submissions (8):

Labcorp Genetics (formerly Invitae), Labcorp
Classification: Benign. Last evaluated: 2025-11-22. Review status: criteria provided, single submitter. Criteria: Invitae Variant Classification Sherloc (09022015). Collection method: clinical testing. Allele origin: germline.

CeGaT Center for Human Genetics Tuebingen
Classification: Likely benign. Last evaluated: 2025-11-01. Review status: criteria provided, single submitter. Criteria: CeGaT Center For Human Genetics Tuebingen Variant Classification Criteria Version 2. Collection method: clinical testing. Allele origin: germline. Affected: yes. Observed: 1 variant allele.
Comment: COMP: BP4, BP7

PreventionGenetics, part of Exact Sciences
Classification: Likely benign for COMP-related condition. Last evaluated: 2025-08-05. Review status: criteria provided, single submitter. Criteria: ACMG Guidelines, 2015. Collection method: clinical testing. Allele origin: germline.
Comment: This variant is classified as likely benign based on ACMG/AMP sequence variant interpretation guidelines (Richards et al. 2015 PMID: 25741868, with internal and published modifications).

Blueprint Genetics
Classification: Likely benign. Last evaluated: 2024-10-14. Review status: criteria provided, single submitter. Criteria: ACMG Guidelines, 2015. Collection method: clinical testing. Allele origin: germline.

ARUP Laboratories, Molecular Genetics and Genomics, ARUP Laboratories
Classification: Benign. Last evaluated: 2019-08-09. Review status: criteria provided, single submitter. Criteria: ARUP Molecular Germline Variant Investigation Process. Collection method: clinical testing. Allele origin: germline.

Illumina Laboratory Services, Illumina
Classification: Likely benign for Multiple epiphyseal dysplasia type 1. Last evaluated: 2018-01-13. Review status: criteria provided, single submitter. Criteria: ICSL Variant Classification Criteria 13 December 2019. Collection method: clinical testing. Allele origin: germline.
Comment: This variant was observed in the ICSL laboratory as part of a predisposition screen in an ostensibly healthy population. It had not been previously curated by ICSL or reported in the Human Gene Mutation Database (HGMD: prior to June 1st, 2018), and was therefore a candidate for classification through an automated scoring system. Utilizing variant allele frequency, disease prevalence and penetrance estimates, and inheritance mode, an automated score was calculated to assess if this variant is too frequent to cause the disease. Based on the score and internal cut-off values, a variant classified as likely benign is not then subjected to further curation. The score for this variant resulted in a classification of likely benign for this disease.

Illumina Laboratory Services, Illumina
Classification: Likely benign for Pseudoachondroplastic spondyloepiphyseal dysplasia syndrome. Last evaluated: 2018-01-13. Review status: criteria provided, single submitter. Criteria: ICSL Variant Classification Criteria 13 December 2019. Collection method: clinical testing. Allele origin: germline.
Comment: the same text as in the submission from Illumina Laboratory Services, Illumina above.

Breakthrough Genomics
Classification: Likely benign. Review status: criteria provided, single submitter. Criteria: ACMG Guidelines, 2015. Collection method: not provided. Allele origin: germline. Inheritance: Autosomal dominant inheritance. Affected: yes.